The following is an entry in ClinVar:

ClinVar aggregate classification (germline): Benign (1 of 4 stars; one submission).

Allele frequency attached by ClinVar (database versions not stated): 1000 Genomes Project 30x 0.00016; 1000 Genomes Project 0.00020; gnomAD exomes 0.00038.
gnomAD v4.1: 182 of 398,612 alleles (0.046%); highest among the groups gnomAD compares: Middle Eastern, 0.5%; no homozygotes.

Submission:

CeGaT Center for Human Genetics Tuebingen
Classification: Benign. Last evaluated: 2026-03-01. Review status: criteria provided, single submitter. Criteria: CeGaT Center For Human Genetics Tuebingen Variant Classification Criteria Version 2. Collection method: clinical testing. Allele origin: germline. Affected: yes. Observed: 8 variant alleles.
Comment: KCNQ1OT1: BS1, BS2

NM_000218.3(KCNQ1):c.1393+35431T>C

Genes: KCNQ1 (potassium voltage-gated channel subfamily Q member 1; plus strand), KCNQ1OT1 (KCNQ1 opposite strand/antisense transcript 1; minus strand). Cytogenetic location: 11p15.5.
Variant type: single nucleotide variant.
Coding change: c.1393+35431T>C on transcript NM_000218.3 (MANE Select); 35431 bases into the intron after coding-DNA position 1393, T replaced by C.
Molecular consequence: intron variant. On other transcripts: non-coding transcript variant (1).
Genome position (GRCh38, 1-based): chr11:2,624,285, T>C. VCF-style: chr11-2624285-T-C. GRCh37 (hg19) VCF-style: chr11-2645515-T-C.
Other names: c.1123+35431T>C (NM_001406837.1); c.1297+35431T>C (NM_001406836.1); c.853+35431T>C (NM_001406838.1); c.1012+35431T>C (NM_181798.2).
Identifiers: ClinVar variation 2641391 (VCV002641391.24), dbSNP rs112738445, ClinGen allele CA216363833.